The following is an entry in ClinVar:

ClinVar aggregate classification (germline): Pathogenic (1 of 4 stars; one submission).

Conditions:
Cortical dysplasia-focal epilepsy syndrome (PTHSL1). Also called: Pitt-Hopkins-like syndrome 1. Identifiers: Orphanet 163681, Orphanet 221150, MedGen C2750246, MONDO:0012400, OMIM 610042.

Submission:

Labcorp Genetics (formerly Invitae), Labcorp
Classification: Pathogenic for Cortical dysplasia-focal epilepsy syndrome. Last evaluated: 2021-04-22. Review status: criteria provided, single submitter. Criteria: Invitae Variant Classification Sherloc (09022015). Collection method: clinical testing. Allele origin: germline.
Comment: For these reasons, this variant has been classified as Pathogenic. This variant has not been reported in the literature in individuals with CNTNAP2-related conditions. This variant is not present in population databases (ExAC no frequency). This sequence change creates a premature translational stop signal (p.Tyr970*) in the CNTNAP2 gene. It is expected to result in an absent or disrupted protein product. Loss-of-function variants in CNTNAP2 are known to be pathogenic (PMID: 19896112, 21827697, 25045150, 26843181, 27439707).

Literature cited by the submitters: PubMed 19896112; PubMed 21827697; PubMed 25045150; PubMed 26843181; PubMed 27439707.

NM_014141.6(CNTNAP2):c.2910T>A (p.Tyr970Ter)

Genes: CNTNAP2 (contactin associated protein 2; plus strand), LOC126860216 (BRD4-independent group 4 enhancer GRCh37_chr7:147868766-147869965; plus strand). Cytogenetic location: 7q35.
Variant type: single nucleotide variant.
Coding change: c.2910T>A on transcript NM_014141.6 (MANE Select); coding-DNA position 2910, T replaced by A.
Protein change: p.Tyr970Ter; replaces tyrosine 970 with a stop codon.
Molecular consequence: nonsense.
Genome position (GRCh38, 1-based): chr7:148,172,378, T>A. VCF-style: chr7-148172378-T-A. GRCh37 (hg19) VCF-style: chr7-147869470-T-A.
Other names: short protein forms Y970*.
Identifiers: ClinVar variation 1455600 (VCV001455600.6), dbSNP rs2116691068, ClinGen allele CA369928591.